The following is an entry in ClinVar:

NM_000052.7(ATP7A):c.2626+4del

Gene: ATP7A (ATPase copper transporting alpha; plus strand). Cytogenetic location: Xq21.1.
Variant type: Deletion.
Coding change: c.2626+4del on transcript NM_000052.7 (MANE Select); 4 bases into the intron after coding-DNA position 2626, one base deleted (T; older notation c.2626+4delT).
Molecular consequence: intron variant.
Genome position (GRCh38, 1-based): chrX:78,015,885, T deleted. VCF-style (leftmost placement, unchanged base first): chrX-78015884-AT-A. GRCh37 (hg19) VCF-style: chrX-77271381-AT-A.
Other names: c.2392+4del (NM_001282224.2).
Identifiers: ClinVar variation 1801882 (VCV001801882.1), dbSNP rs2522362357, ClinGen allele CA2580101445.

ClinVar aggregate classification (germline): Uncertain significance (1 of 4 stars; one submission).

Submission:

GeneDx
Classification: Uncertain significance. Last evaluated: 2022-06-02. Review status: criteria provided, single submitter. Criteria: GeneDx Variant Classification Process June 2021. Collection method: clinical testing. Allele origin: germline. Affected: yes.
Comment: Not observed at significant frequency in large population cohorts (gnomAD); Has not been previously published as pathogenic or benign to our knowledge; In-silico analysis is inconclusive as to whether the variant alters gene splicing. In the absence of RNA/functional studies, the actual effect of this sequence change is unknown.